The following is an entry in ClinVar:

ClinVar aggregate classification (germline): Uncertain significance. Review status: criteria provided, multiple submitters, no conflicts (2 of 4 stars). 2 submissions from 2 submitters: Uncertain significance (2). Last evaluated 2024-09-12.

Conditions:
Hereditary cancer-predisposing syndrome. Also called: Hereditary neoplastic syndrome; Tumor predisposition; Neoplastic Syndromes, Hereditary; Hereditary Cancer Syndrome. Identifiers: Orphanet 140162, MedGen C0027672, MeSH D009386, MONDO:0015356.
Ataxia-telangiectasia syndrome (AT). Also called: Cerebello-oculocutaneous telangiectasia; Immunodeficiency with ataxia telangiectasia; Ataxia-telangiectasia; LOUIS-BAR SYNDROME; Ataxia-telangiectasia, complementation group E; Ataxia telangiectasia (A-T). Identifiers: Orphanet 100, MedGen C0004135, MONDO:0008840, OMIM 208900.

Allele frequency attached by ClinVar (database versions not stated): TOPMed 0.00001.

Submissions (2):

Ambry Genetics
Classification: Uncertain significance for Hereditary cancer-predisposing syndrome. Last evaluated: 2024-09-12. Review status: criteria provided, single submitter. Criteria: Ambry Variant Classification Scheme 2023. Collection method: clinical testing. Allele origin: germline.
Comment: The p.V1432G variant (also known as c.4295T>G), located in coding exon 28 of the ATM gene, results from a T to G substitution at nucleotide position 4295. The valine at codon 1432 is replaced by glycine, an amino acid with dissimilar properties. This amino acid position is not well conserved in available vertebrate species. In addition, the in silico prediction for this alteration is inconclusive. Based on the available evidence, the clinical significance of this variant remains unclear.

Labcorp Genetics (formerly Invitae), Labcorp
Classification: Uncertain significance for Ataxia-telangiectasia syndrome. Last evaluated: 2019-10-13. Review status: criteria provided, single submitter. Criteria: Invitae Variant Classification Sherloc (09022015). Collection method: clinical testing. Allele origin: germline.
Comment: In summary, this variant is a novel missense change with uncertain impact on protein function. It has been classified as a Variant of Uncertain Significance. Algorithms developed to predict the effect of missense changes on protein structure and function do not agree on the potential impact of this missense change (SIFT: "Deleterious"; PolyPhen-2: "Benign"; Align-GVGD: "Class C0"). This variant is not present in population databases (ExAC no frequency) and has not been reported in the literature in individuals with an ATM-related disease. This sequence change replaces valine with glycine at codon 1432 of the ATM protein (p.Val1432Gly). The valine residue is moderately conserved and there is a moderate physicochemical difference between valine and glycine.

NM_000051.4(ATM):c.4295T>G (p.Val1432Gly)

Gene: ATM (ATM serine/threonine kinase; plus strand). Cytogenetic location: 11q22.3.
Variant type: single nucleotide variant.
Coding change: c.4295T>G on transcript NM_000051.4 (MANE Select); coding-DNA position 4295, T replaced by G.
Protein change: p.Val1432Gly; replaces valine 1432 with glycine.
Molecular consequence: missense variant.
Genome position (GRCh38, 1-based): chr11:108,289,660, T>G. VCF-style: chr11-108289660-T-G. GRCh37 (hg19) VCF-style: chr11-108160387-T-G.
Other names: c.4295T>G, p.Val1432Gly (NM_001351834.2); short protein forms V1432G.
Identifiers: ClinVar variation 429063 (VCV000429063.17), dbSNP rs1131691150, ClinGen allele CA382531517.